The following is an entry in ClinVar:

NM_004787.4(SLIT2):c.2345T>C (p.Ile782Thr)

Gene: SLIT2 (slit guidance ligand 2; plus strand). Cytogenetic location: 4p15.31.
Variant type: single nucleotide variant.
Coding change: c.2345T>C on transcript NM_004787.4 (MANE Select); coding-DNA position 2345, T replaced by C.
Protein change: p.Ile782Thr; replaces isoleucine 782 with threonine.
Molecular consequence: missense variant.
Genome position (GRCh38, 1-based): chr4:20,546,099, T>C. VCF-style: chr4-20546099-T-C. GRCh37 (hg19) VCF-style: chr4-20547722-T-C.
Other names: c.2333T>C, p.Ile778Thr (NM_001289135.3); c.2321T>C, p.Ile774Thr (NM_001289136.3); short protein forms I778T, I774T, I782T.
Identifiers: ClinVar variation 3715008 (VCV003715008.2).

ClinVar aggregate classification (germline): Uncertain significance (1 of 4 stars; one submission).

gnomAD v4.1: 10 of 1,559,532 alleles (0.00064%); highest among the groups gnomAD compares: Admixed American, 0.0052%; no homozygotes.

Submission:

Labcorp Genetics (formerly Invitae), Labcorp
Classification: Uncertain significance. Last evaluated: 2025-01-11. Review status: criteria provided, single submitter. Criteria: Invitae Variant Classification Sherloc (09022015). Collection method: clinical testing. Allele origin: germline.
Comment: This sequence change replaces isoleucine, which is neutral and non-polar, with threonine, which is neutral and polar, at codon 782 of the SLIT2 protein (p.Ile782Thr). This variant is present in population databases (rs367994534, gnomAD 0.003%). This variant has not been reported in the literature in individuals affected with SLIT2-related conditions. An algorithm developed to predict the effect of missense changes on protein structure and function (PolyPhen-2) suggests that this variant is likely to be disruptive. In summary, the available evidence is currently insufficient to determine the role of this variant in disease. Therefore, it has been classified as a Variant of Uncertain Significance.